The following is an entry in ClinVar:

NM_000891.3(KCNJ2):c.96C>G (p.Asn32Lys)

Gene: KCNJ2 (potassium inwardly rectifying channel subfamily J member 2; plus strand). Cytogenetic location: 17q24.3.
Variant type: single nucleotide variant.
Coding change: c.96C>G on transcript NM_000891.3 (MANE Select); coding-DNA position 96, C replaced by G.
Protein change: p.Asn32Lys; replaces asparagine 32 with lysine.
Molecular consequence: missense variant.
Genome position (GRCh38, 1-based): chr17:70,175,135, C>G. VCF-style: chr17-70175135-C-G. GRCh37 (hg19) VCF-style: chr17-68171276-C-G.
Other names: short protein forms N32K.
Identifiers: ClinVar variation 2929738 (VCV002929738.3), dbSNP rs67120636, ClinGen allele CA400859854.

ClinVar aggregate classification (germline): Uncertain significance (1 of 4 stars; one submission).

Conditions:
Andersen Tawil syndrome (LQT7). Also called: Potassium-sensitive periodic paralysis, ventricular ectopy, and dysmorphic features; ANDERSEN CARDIODYSRHYTHMIC PERIODIC PARALYSIS; LONG QT SYNDROME 7; PERIODIC PARALYSIS, POTASSIUM-SENSITIVE CARDIODYSRHYTHMIC TYPE; Andersen Syndrome. Identifiers: Orphanet 37553, MedGen C1563715, MONDO:0008222, OMIM 170390.
Short QT syndrome type 3. Identifiers: Orphanet 51083, MedGen C1865018, MONDO:0012314, OMIM 609622.

Submission:

Labcorp Genetics (formerly Invitae), Labcorp
Classification: Uncertain significance for Short QT syndrome type 3; Andersen Tawil syndrome. Last evaluated: 2025-06-12. Review status: criteria provided, single submitter. Criteria: Invitae Variant Classification Sherloc (09022015). Collection method: clinical testing. Allele origin: germline.
Comment: This sequence change replaces asparagine, which is neutral and polar, with lysine, which is basic and polar, at codon 32 of the KCNJ2 protein (p.Asn32Lys). This variant is not present in population databases (gnomAD no frequency). This variant has not been reported in the literature in individuals affected with KCNJ2-related conditions. ClinVar contains an entry for this variant (Variation ID: 2929738). Invitae Evidence Modeling of protein sequence and biophysical properties (such as structural, functional, and spatial information, amino acid conservation, physicochemical variation, residue mobility, and thermodynamic stability) indicates that this missense variant is not expected to disrupt KCNJ2 protein function with a negative predictive value of 95%. In summary, the available evidence is currently insufficient to determine the role of this variant in disease. Therefore, it has been classified as a Variant of Uncertain Significance.